The following is an entry in ClinVar:

ClinVar aggregate classification (germline): Uncertain significance (1 of 4 stars; one submission).

gnomAD v4.1: 3 of 1,455,828 alleles (0.00021%); highest among the groups gnomAD compares: South Asian, 0.0041%; no homozygotes.

Submission:

Labcorp Genetics (formerly Invitae), Labcorp
Classification: Uncertain significance. Last evaluated: 2022-10-26. Review status: criteria provided, single submitter. Criteria: Invitae Variant Classification Sherloc (09022015). Collection method: clinical testing. Allele origin: germline.
Comment: This variant is not present in population databases (gnomAD no frequency). This sequence change replaces glycine, which is neutral and non-polar, with arginine, which is basic and polar, at codon 74 of the DEAF1 protein (p.Gly74Arg). This variant has not been reported in the literature in individuals affected with DEAF1-related conditions. In summary, the available evidence is currently insufficient to determine the role of this variant in disease. Therefore, it has been classified as a Variant of Uncertain Significance. Algorithms developed to predict the effect of missense changes on protein structure and function output the following: SIFT: "Deleterious"; PolyPhen-2: "Benign"; Align-GVGD: "Class C0". The arginine amino acid residue is found in multiple mammalian species, which suggests that this missense change does not adversely affect protein function.

NM_021008.4(DEAF1):c.220G>A (p.Gly74Arg)

Gene: DEAF1 (DEAF1 transcription factor; minus strand). Cytogenetic location: 11p15.5.
Variant type: single nucleotide variant.
Coding change: c.220G>A on transcript NM_021008.4 (MANE Select); coding-DNA position 220, G replaced by A.
Protein change: p.Gly74Arg; replaces glycine 74 with arginine.
Molecular consequence: missense variant. On other transcripts: intron variant (1).
Genome position (GRCh38, 1-based): chr11:694,828, C>T on the plus strand (G>A on the coding strand, the complement: DEAF1 is on the minus strand). VCF-style: chr11-694828-C-T. GRCh37 (hg19) VCF-style: chr11-694828-C-T.
Other names: c.220G>A, p.Gly74Arg (NM_001293634.2); c.-437-3230G>A (NM_001367390.1); short protein forms G74R.
Identifiers: ClinVar variation 2784766 (VCV002784766.3), dbSNP rs1463946624, ClinGen allele CA378939229.
Genomic context (GRCh38, chr11:694,828, plus strand): 5'-CTGCGGCAGCGGCGGCCTCGTCGGGGCCGGGCAGGGCCTCGGCGCCCATGTCCATGTGCC[C>T]GGGCTCCGCCGCCATCACCGCCACTGCCGTGACCCGCGGCGTCTCCCGCTCCGCCTCCGA-3'
Protein context (NP_066288.2, residues 64-84): TAVAVMAAEP[Gly74Arg]HMDMGAEALP